The following is an entry in ClinVar:

ClinVar aggregate classification (germline): Conflicting classifications of pathogenicity. Review status: criteria provided, conflicting classifications (1 of 4 stars). 6 submissions from 6 submitters: Pathogenic (2); Likely pathogenic (1); Uncertain significance (3). Last evaluated 2025-06-04.

Conditions:
Cerebellar atrophy, visual impairment, and psychomotor retardation;. Also called: Cerebellar atrophy, visual impairment, and psychomotor retardation. Identifiers: MedGen C4225172, MONDO:0014811, OMIM 616875.

Allele frequency attached by ClinVar (database versions not stated): ESP Exome Variant Server 0.00008; gnomAD exomes 0.00008 and 0.00013; ExAC 0.00009; gnomAD 0.00024 and 0.00026; TOPMed 0.00028.

Submissions (6):

Labcorp Genetics (formerly Invitae), Labcorp
Classification: Pathogenic. Last evaluated: 2025-06-04. Review status: criteria provided, single submitter. Criteria: Invitae Variant Classification Sherloc (09022015). Collection method: clinical testing. Allele origin: germline.
Comment: This sequence change creates a premature translational stop signal (p.His905Thrfs*9) in the EMC1 gene. It is expected to result in an absent or disrupted protein product. Loss-of-function variants in EMC1 are known to be pathogenic (PMID: 26572623, 26942288, 29271071). This variant is present in population databases (rs781137936, gnomAD 0.06%). This variant has not been reported in the literature in individuals affected with EMC1-related conditions. ClinVar contains an entry for this variant (Variation ID: 598641). Algorithms developed to predict the effect of sequence changes on RNA splicing suggest that this variant may disrupt the consensus splice site. For these reasons, this variant has been classified as Pathogenic.

GeneDx
Classification: Uncertain significance. Last evaluated: 2025-03-31. Review status: criteria provided, single submitter. Criteria: GeneDx Variant Classification Process June 2021. Collection method: clinical testing. Allele origin: germline. Affected: yes.
Comment: Frameshift variant predicted to result in protein truncation or nonsense mediated decay in a gene for which loss of function is a known mechanism of disease; Has not been previously published as pathogenic or benign to our knowledge

Blueprint Genetics
Classification: Uncertain significance. Last evaluated: 2024-09-11. Review status: criteria provided, single submitter. Criteria: ACMG Guidelines, 2015. Collection method: clinical testing. Allele origin: germline.

Women's Health and Genetics/Laboratory Corporation of America, LabCorp
Classification: Pathogenic for Cerebellar atrophy, visual impairment, and psychomotor retardation;. Last evaluated: 2024-07-08. Review status: criteria provided, single submitter. Criteria: LabCorp Variant Classification Summary - May 2015. Collection method: clinical testing. Allele origin: germline.
Comment: Variant summary: EMC1 c.2712dupA (p.His905ThrfsX9) results in a premature termination codon, predicted to cause absence of the protein due to nonsense mediated decay, which is a commonly known mechanisms for disease. The variant allele was found at a frequency of 0.00013 in 251474 control chromosomes (gnomAD). This frequency is not significantly higher than estimated for a pathogenic variant in EMC1 causing Cerebellar Atrophy, Visual Impairment, And Psychomotor Retardation, allowing no conclusion about variant significance. To our knowledge, no occurrence of c.2712dupA in individuals affected with Cerebellar Atrophy, Visual Impairment, And Psychomotor Retardation and no experimental evidence demonstrating its impact on protein function have been reported. ClinVar contains an entry for this variant (Variation ID: 598641). Based on the evidence outlined above, the variant was classified as pathogenic.

Fulgent Genetics
Classification: Likely pathogenic for Cerebellar atrophy, visual impairment, and psychomotor retardation;. Last evaluated: 2024-01-22. Review status: criteria provided, single submitter. Criteria: ACMG Guidelines, 2015. Collection method: clinical testing. Allele origin: germline.

Eurofins Ntd Llc (ga)
Classification: Uncertain significance. Last evaluated: 2018-09-04. Review status: criteria provided, single submitter. Criteria: EGL ClinVar v180209 classification definitions. Collection method: clinical testing. Allele origin: germline.

Literature cited by the submitters: PubMed 26572623 (cited by Labcorp Genetics (formerly Invitae), Labcorp); PubMed 26942288 (cited by Labcorp Genetics (formerly Invitae), Labcorp); PubMed 29271071 (cited by Labcorp Genetics (formerly Invitae), Labcorp).

NM_015047.3(EMC1):c.2712dup (p.His905fs)

Genes: EMC1 (ER membrane protein complex subunit 1; minus strand), EMC1-AS1 (EMC1 antisense RNA 1; plus strand). Cytogenetic location: 1p36.13.
Variant type: Duplication.
Coding change: c.2712dup on transcript NM_015047.3 (MANE Select); coding-DNA position 2712, one base duplicated (A; older notation c.2712dupA).
Protein change: p.His905fs; shifts the reading frame from histidine 905.
Molecular consequence: frameshift variant.
Genome position (GRCh38, 1-based): chr1:19,219,659, T duplicated on the plus strand (A on the coding strand, the reverse complement: EMC1 is on the minus strand). VCF-style (leftmost placement, unchanged base first): chr1-19219658-G-GT. GRCh37 (hg19) VCF-style: chr1-19546152-G-GT.
Other names: c.2709dup, p.His904fs (NM_001271427.2, NM_001271428.2); c.2646dup, p.His883fs (NM_001271429.2); c.2712dupA (NM_015047.3); short protein forms H904fs, H883fs, H905fs.
Identifiers: ClinVar variation 598641 (VCV000598641.19), dbSNP rs781137936, ClinGen allele CA652166.
Genomic context (GRCh38, chr1:19,219,658, plus strand): 5'-CTGTGTAGATACCTCGCATTCGAGAAACTGTCTGGTTATAGTTGATGAATCGCTCTGCGT[G>GT]TATCTGTACATCTGGAGAATACGGGATTAAGTTCTCCTCTCTGCAAAACACCAGCCGGGA-3'